The following is an entry in ClinVar:

ClinVar aggregate classification (germline): Uncertain significance (1 of 4 stars; one submission).

Conditions:
3-methylglutaconic aciduria, type VIIB (MGCA7B). Also called: CLPB Deficiency; 3-methylglutaconic aciduria with cataracts, neurologic involvement and neutropenia; 3-methylglutaconic aciduria, type VII, with cataracts, neurologic involvement and neutropenia. Identifiers: Orphanet 445038, MedGen C5676893, MONDO:0014561, OMIM 616271.

Allele frequency attached by ClinVar (database versions not stated): gnomAD exomes below 0.00001; ExAC 0.00001.
gnomAD v4.1: 1 of 1,614,158 alleles (0.000062%); highest among the groups gnomAD compares: Non-Finnish European, 0.000085%; no homozygotes.

Submission:

Labcorp Genetics (formerly Invitae), Labcorp
Classification: Uncertain significance for 3-methylglutaconic aciduria, type VIIB. Last evaluated: 2023-09-18. Review status: criteria provided, single submitter. Criteria: Invitae Variant Classification Sherloc (09022015). Collection method: clinical testing. Allele origin: germline.
Comment: In summary, the available evidence is currently insufficient to determine the role of this variant in disease. Therefore, it has been classified as a Variant of Uncertain Significance. An algorithm developed to predict the effect of missense changes on protein structure and function (PolyPhen-2) suggests that this variant is likely to be tolerated. This variant has not been reported in the literature in individuals affected with CLPB-related conditions. This variant is present in population databases (rs760495960, gnomAD 0.0009%). This sequence change replaces proline, which is neutral and non-polar, with arginine, which is basic and polar, at codon 667 of the CLPB protein (p.Pro667Arg).

NM_001258392.3(CLPB):c.1910C>G (p.Pro637Arg)

Gene: CLPB (ClpB family mitochondrial disaggregase; minus strand). Cytogenetic location: 11q13.4.
Variant type: single nucleotide variant.
Coding change: c.1910C>G on transcript NM_001258392.3 (MANE Select); coding-DNA position 1910, C replaced by G.
Protein change: p.Pro637Arg; replaces proline 637 with arginine.
Molecular consequence: missense variant.
Genome position (GRCh38, 1-based): chr11:72,293,491, G>C on the plus strand (C>G on the coding strand, the complement: CLPB is on the minus strand). VCF-style: chr11-72293491-G-C. GRCh37 (hg19) VCF-style: chr11-72004535-G-C.
Other names: c.1823C>G, p.Pro608Arg (NM_001258393.3); c.1865C>G, p.Pro622Arg (NM_001258394.3); c.2000C>G, p.Pro667Arg (NM_030813.6); short protein forms P608R, P637R, P667R, P622R.
Identifiers: ClinVar variation 2893413 (VCV002893413.3), dbSNP rs760495960, ClinGen allele CA6170992.